The following is an entry in ClinVar:

ClinVar aggregate classification (germline): Uncertain significance (1 of 4 stars; one submission).

Submission:

GeneDx
Classification: Uncertain significance. Last evaluated: 2026-09-21. Review status: criteria provided, single submitter. Criteria: GeneDx Variant Classification Process June 2021. Collection method: clinical testing. Allele origin: germline.
Comment: Not observed at significant frequency in large population cohorts (gnomAD); In silico analysis indicates that this missense variant does not alter protein structure/function; Has not been previously published as pathogenic or benign to our knowledge

NM_015898.4(ZBTB7A):c.428T>C (p.Leu143Pro)

Gene: ZBTB7A (zinc finger and BTB domain containing 7A; minus strand). Cytogenetic location: 19p13.3.
Variant type: single nucleotide variant.
Coding change: c.428T>C on transcript NM_015898.4 (MANE Select); coding-DNA position 428, T replaced by C.
Protein change: p.Leu143Pro; replaces leucine 143 with proline.
Molecular consequence: missense variant.
Genome position (GRCh38, 1-based): chr19:4,054,805, A>G on the plus strand (T>C on the coding strand, the complement: ZBTB7A is on the minus strand). VCF-style: chr19-4054805-A-G. GRCh37 (hg19) VCF-style: chr19-4054803-A-G.
Other names: c.428T>C, p.Leu143Pro (NM_001317990.2); short protein forms L143P.
Identifiers: ClinVar variation 3602460 (VCV003602460.2).
Genomic context (GRCh38, chr19:4,054,805, plus strand): 5'-AACTCGAGGTACTCCTTGGCGCGGAGGAGGTTGCGCTGATCAATTTGATCTACAAGGTCC[A>G]GCTGCCCGGCGTCGGCGCCCGCGTCGGCCGCCAGGATCTGCCGGTCCAGGAGGTCGGCGC-3'
Protein context (NP_056982.1, residues 133-153): AADAGADAGQ[Leu143Pro]DLVDQIDQRN